The following is an entry in ClinVar:

NM_001365999.1(SZT2):c.8253_8254del (p.Arg2752fs)

Gene: SZT2 (SZT2 subunit of KICSTOR complex; plus strand). Cytogenetic location: 1p34.2.
Variant type: Microsatellite.
Coding change: c.8253_8254del on transcript NM_001365999.1 (MANE Select); coding-DNA positions 8253 to 8254, 2 bases deleted (TC; older notation c.8253_8254delTC).
Protein change: p.Arg2752fs; shifts the reading frame from arginine 2752.
Molecular consequence: frameshift variant.
Genome position (GRCh38, 1-based): chr1:43,442,920-43,442,921, TC deleted; deleting any 2 consecutive bases within chr1:43,442,917-43,442,921 gives the same sequence; the c. name uses the placement nearest the transcript's 3' end. VCF-style (leftmost placement, unchanged base first): chr1-43442916-CCT-C. GRCh37 (hg19) VCF-style: chr1-43908587-CCT-C.
Other names: c.8082_8083del, p.Arg2695fs (NM_015284.4); short protein forms R2752fs, R2695fs.
Identifiers: ClinVar variation 4712377 (VCV004712377.1).
Genomic context (GRCh38, chr1:43,442,916, plus strand): 5'-AGACCCTCATCCGGAGTGCAAGTCCCCCGCTGAGCCGTGAGCAGGGCCGACTGAGTGGGT[CCT>C]CTCGTGGTGGGGGTCCTCTTCCCCTGGACACATTCCCCTTTGACGAGGCCCTAAGGGATA-3'

ClinVar aggregate classification (germline): Pathogenic (1 of 4 stars; one submission).

Submission:

Labcorp Genetics (formerly Invitae), Labcorp
Classification: Pathogenic. Last evaluated: 2025-10-06. Review status: criteria provided, single submitter. Criteria: Invitae Variant Classification Sherloc (09022015). Collection method: clinical testing. Allele origin: germline.
Comment: This sequence change creates a premature translational stop signal (p.Arg2695Trpfs*13) in the SZT2 gene. It is expected to result in an absent or disrupted protein product. Loss-of-function variants in SZT2 are known to be pathogenic (PMID: 23932106, 27248490, 28556953). This variant is not present in population databases (gnomAD no frequency). This variant has not been reported in the literature in individuals affected with SZT2-related conditions. For these reasons, this variant has been classified as Pathogenic.

Literature cited by the submitters: PubMed 23932106; PubMed 27248490; PubMed 28556953.